The following is an entry in ClinVar:

ClinVar aggregate classification (germline): Uncertain significance. Review status: criteria provided, single submitter (1 of 4 stars). 2 submissions from 2 submitters: Uncertain significance (1). 1 of the submissions does not count toward it. Last evaluated 2024-11-13.

Conditions:
RBBP6-related disorder. Also called: RBBP6-related condition.

Submissions (2):

Ambry Genetics
Classification: Uncertain significance. Last evaluated: 2024-11-13. Review status: criteria provided, single submitter. Criteria: Ambry Variant Classification Scheme 2023. Collection method: clinical testing. Allele origin: germline.

PreventionGenetics, part of Exact Sciences
Classification: Uncertain significance for RBBP6-related condition. Last evaluated: 2024-08-28. Review status: no assertion criteria provided. Collection method: clinical testing. Allele origin: germline. Not counted in ClinVar's aggregate classification.
Comment: The RBBP6 c.2648A>G variant is predicted to result in the amino acid substitution p.Tyr883Cys. To our knowledge, this variant has not been reported in the literature. This variant is reported in 0.048% of alleles in individuals of African descent in gnomAD. At this time, the clinical significance of this variant is uncertain due to the absence of conclusive functional and genetic evidence.

NM_006910.5(RBBP6):c.2648A>G (p.Tyr883Cys)

Gene: RBBP6 (RB binding protein 6, ubiquitin ligase; plus strand). Cytogenetic location: 16p12.1.
Variant type: single nucleotide variant.
Coding change: c.2648A>G on transcript NM_006910.5 (MANE Select); coding-DNA position 2648, A replaced by G.
Protein change: p.Tyr883Cys; replaces tyrosine 883 with cysteine.
Molecular consequence: missense variant.
Genome position (GRCh38, 1-based): chr16:24,569,338, A>G. VCF-style: chr16-24569338-A-G. GRCh37 (hg19) VCF-style: chr16-24580659-A-G.
Other names: c.2546A>G, p.Tyr849Cys (NM_018703.4); short protein forms Y849C, Y883C.
Identifiers: ClinVar variation 3354724 (VCV003354724.2).